The following is an entry in ClinVar:

NM_176824.3(BBS7):c.1139G>A (p.Gly380Asp)

Gene: BBS7 (Bardet-Biedl syndrome 7; minus strand). Cytogenetic location: 4q27.
Variant type: single nucleotide variant.
Coding change: c.1139G>A on transcript NM_176824.3 (MANE Select); coding-DNA position 1139, G replaced by A.
Protein change: p.Gly380Asp; replaces glycine 380 with aspartic acid.
Molecular consequence: missense variant.
Genome position (GRCh38, 1-based): chr4:121,845,595, C>T on the plus strand (G>A on the coding strand, the complement: BBS7 is on the minus strand). VCF-style: chr4-121845595-C-T. GRCh37 (hg19) VCF-style: chr4-122766750-C-T.
Other names: c.1139G>A, p.Gly380Asp (NM_018190.4); short protein forms G380D.
Identifiers: ClinVar variation 1520284 (VCV001520284.9), dbSNP rs921736196, ClinGen allele CA104762497.
Genomic context (GRCh38, chr4:121,845,595, plus strand): 5'-ACCTCTAAGATAAGGCTGTAACTGGCATCATCTTTATTTAGTGTAAATTTATCATTTATA[C>T]CAAAGGAAGGTACTGCTGATTTTGCTTTGCTTGATTGAGAAGACTGTTGATAATTCTCTC-3'
Protein context (NP_789794.1, residues 370-390): SKAKSAVPSF[Gly380Asp]INDKFTLNKD

ClinVar aggregate classification (germline): Uncertain significance (1 of 4 stars; one submission).

Conditions:
Bardet-Biedl syndrome (BBS). Identifiers: Orphanet 110, MedGen C0752166, MONDO:0015229.

Allele frequency attached by ClinVar (database versions not stated): gnomAD exomes below 0.00001; TOPMed below 0.00001; gnomAD 0.00001.
gnomAD v4.1: 6 of 1,612,558 alleles (0.00037%); highest among the groups gnomAD compares: African/African-American, 0.004%; no homozygotes.

Submission:

Labcorp Genetics (formerly Invitae), Labcorp
Classification: Uncertain significance for Bardet-Biedl syndrome. Last evaluated: 2022-08-23. Review status: criteria provided, single submitter. Criteria: Invitae Variant Classification Sherloc (09022015). Collection method: clinical testing. Allele origin: germline.
Comment: In summary, the available evidence is currently insufficient to determine the role of this variant in disease. Therefore, it has been classified as a Variant of Uncertain Significance. Algorithms developed to predict the effect of missense changes on protein structure and function (SIFT, PolyPhen-2, Align-GVGD) all suggest that this variant is likely to be tolerated. ClinVar contains an entry for this variant (Variation ID: 1520284). This variant has not been reported in the literature in individuals affected with BBS7-related conditions. This variant is not present in population databases (gnomAD no frequency). This sequence change replaces glycine, which is neutral and non-polar, with aspartic acid, which is acidic and polar, at codon 380 of the BBS7 protein (p.Gly380Asp).